The following is an entry in ClinVar:

NM_001130987.2(DYSF):c.2211_2212dup (p.Cys738fs)

Gene: DYSF (dysferlin; plus strand). Cytogenetic location: 2p13.2.
Variant type: Duplication.
Coding change: c.2211_2212dup on transcript NM_001130987.2 (MANE Select); coding-DNA positions 2211 to 2212, 2 bases duplicated (CT; older notation c.2211_2212dupCT).
Protein change: p.Cys738fs; shifts the reading frame from cysteine 738.
Molecular consequence: frameshift variant.
Genome position (GRCh38, 1-based): chr2:71,556,066-71,556,067, CT duplicated. VCF-style (leftmost placement, unchanged base first): chr2-71556065-G-GCT. GRCh37 (hg19) VCF-style: chr2-71783195-G-GCT.
Other names: c.2160_2161dup, p.Cys721fs (NM_001130455.2, NM_001130983.2); c.2115_2116dup, p.Cys706fs (NM_001130976.2, NM_001130977.2); c.2157_2158dup, p.Cys720fs (NM_001130978.2, NM_003494.4); c.2250_2251dup, p.Cys751fs (NM_001130979.2); c.2208_2209dup, p.Cys737fs (NM_001130980.2, NM_001130981.2); c.2253_2254dup, p.Cys752fs (NM_001130982.2); c.2118_2119dup, p.Cys707fs (NM_001130984.2, NM_001130986.2); c.2211_2212dup, p.Cys738fs (NM_001130985.2); short protein forms C706fs, C707fs, C720fs, C721fs, C737fs, C738fs, C751fs, C752fs.
Identifiers: ClinVar variation 5014392 (VCV005014392.1).

ClinVar aggregate classification (germline): Pathogenic (1 of 4 stars; one submission).

Conditions:
Autosomal recessive limb-girdle muscular dystrophy. Identifiers: Orphanet 102015, MedGen C2931907, MONDO:0015152.

Submission:

Myriad Genetics, Inc.
Classification: Pathogenic for Autosomal recessive limb-girdle muscular dystrophy. Last evaluated: 2025-05-06. Review status: criteria provided, single submitter. Criteria: Myriad Autosomal Dominant, Autosomal Recessive and X-Linked Classification Criteria (2023). Collection method: clinical testing. Allele origin: unknown.
Comment: NM_003494.3(DYSF):c.2157_2158dupCT(C720Sfs*30) is expected to be pathogenic in the context of dysferlinopathy. This variant is predicted to lead to an abnormal or absent protein product due to the creation of a premature termination codon in DYSF, a gene where loss-of-function variants are known to be pathogenic. Please note: this variant was assessed in the context of healthy population screening.